The following is an entry in ClinVar:

ClinVar aggregate classification (germline): Uncertain significance (1 of 4 stars; one submission).

gnomAD v4.1: 49 of 1,613,946 alleles (0.003%); highest among the groups gnomAD compares: Non-Finnish European, 0.0041%; no homozygotes.

Submission:

Labcorp Genetics (formerly Invitae), Labcorp
Classification: Uncertain significance. Last evaluated: 2024-11-20. Review status: criteria provided, single submitter. Criteria: Invitae Variant Classification Sherloc (09022015). Collection method: clinical testing. Allele origin: germline.
Comment: This sequence change replaces proline, which is neutral and non-polar, with serine, which is neutral and polar, at codon 214 of the IRF9 protein (p.Pro214Ser). This variant is present in population databases (no rsID available, gnomAD 0.0009%). This variant has not been reported in the literature in individuals affected with IRF9-related conditions. An algorithm developed to predict the effect of missense changes on protein structure and function (PolyPhen-2) suggests that this variant is likely to be tolerated. In summary, the available evidence is currently insufficient to determine the role of this variant in disease. Therefore, it has been classified as a Variant of Uncertain Significance.

NM_006084.5(IRF9):c.640C>T (p.Pro214Ser)

Gene: IRF9 (interferon regulatory factor 9; plus strand). Cytogenetic location: 14q12.
Variant type: single nucleotide variant.
Coding change: c.640C>T on transcript NM_006084.5 (MANE Select); coding-DNA position 640, C replaced by T.
Protein change: p.Pro214Ser; replaces proline 214 with serine.
Molecular consequence: missense variant.
Genome position (GRCh38, 1-based): chr14:24,164,125, C>T. VCF-style: chr14-24164125-C-T. GRCh37 (hg19) VCF-style: chr14-24633334-C-T.
Other names: c.640C>T, p.Pro214Ser (NM_001385400.1, NM_001385401.1, NM_001385402.1); short protein forms P214S.
Identifiers: ClinVar variation 3612964 (VCV003612964.2).